The following is an entry in ClinVar:

ClinVar aggregate classification (germline): Likely benign (0 of 4 stars; one submission).

Conditions:
POLR3C-related disorder. Also called: POLR3C-related condition.

Allele frequency attached by ClinVar (database versions not stated): 1000 Genomes Project 0.00040; 1000 Genomes Project 30x 0.00047; ExAC 0.00109; ESP Exome Variant Server 0.00185.
gnomAD v4.1: 3,189 of 1,614,014 alleles (0.2%); highest among the groups gnomAD compares: Non-Finnish European, 0.24%; 5 homozygotes.

Submission:

PreventionGenetics, part of Exact Sciences
Classification: Likely benign for POLR3C-related condition. Last evaluated: 2023-03-23. Review status: no assertion criteria provided. Collection method: clinical testing. Allele origin: germline.
Comment: This variant is classified as likely benign based on ACMG/AMP sequence variant interpretation guidelines (Richards et al. 2015 PMID: 25741868, with internal and published modifications).

NM_006468.8(POLR3C):c.1100G>A (p.Arg367His)

Gene: POLR3C (RNA polymerase III subunit C; plus strand). Cytogenetic location: 1q21.1.
Variant type: single nucleotide variant.
Coding change: c.1100G>A on transcript NM_006468.8 (MANE Select); coding-DNA position 1100, G replaced by A.
Protein change: p.Arg367His; replaces arginine 367 with histidine.
Molecular consequence: missense variant.
Genome position (GRCh38, 1-based): chr1:145,838,085, G>A. VCF-style: chr1-145838085-G-A. GRCh37 (hg19) VCF-style: chr1-145597025-C-T.
Other names: c.1139G>A, p.Arg380His (NM_001303456.1); short protein forms R367H, R380H.
Identifiers: ClinVar variation 3037231 (VCV003037231.2), dbSNP rs139697925, ClinGen allele CA1058844.